The following is an entry in ClinVar:

NM_002949.4(MRPL12):c.261+5C>T

Gene: MRPL12 (mitochondrial ribosomal protein L12; plus strand). Cytogenetic location: 17q25.3.
Variant type: single nucleotide variant.
Coding change: c.261+5C>T on transcript NM_002949.4 (MANE Select); 5 bases into the intron after coding-DNA position 261, C replaced by T.
Molecular consequence: intron variant.
Genome position (GRCh38, 1-based): chr17:81,704,435, C>T. VCF-style: chr17-81704435-C-T. GRCh37 (hg19) VCF-style: chr17-79671465-C-T.
Identifiers: ClinVar variation 385027 (VCV000385027.3), dbSNP rs767787425, ClinGen allele CA8841295.

ClinVar aggregate classification (germline): Likely benign. Review status: criteria provided, single submitter (1 of 4 stars). 2 submissions from 2 submitters: Likely benign (1). 1 of the submissions does not count toward it. Last evaluated 2016-04-13.

Conditions:
MRPL12-related disorder. Also called: MRPL12-related condition.

Allele frequency attached by ClinVar (database versions not stated): gnomAD 0.00003; ExAC 0.00005; TOPMed 0.00006.
gnomAD v4.1: 19 of 1,609,802 alleles (0.0012%); highest among the groups gnomAD compares: East Asian, 0.042%; no homozygotes.

Submissions (2):

GeneDx
Classification: Likely benign. Last evaluated: 2016-04-13. Review status: criteria provided, single submitter. Criteria: GeneDx Variant Classification (06012015). Collection method: clinical testing. Allele origin: germline. Affected: yes.
Comment: This variant is considered likely benign or benign based on one or more of the following criteria: it is a conservative change, it occurs at a poorly conserved position in the protein, it is predicted to be benign by multiple in silico algorithms, and/or has population frequency not consistent with disease.

PreventionGenetics, part of Exact Sciences
Classification: Likely benign for MRPL12-related condition. Last evaluated: 2020-01-09. Review status: no assertion criteria provided. Collection method: clinical testing. Allele origin: germline. Not counted in ClinVar's aggregate classification.
Comment: This variant is classified as likely benign based on ACMG/AMP sequence variant interpretation guidelines (Richards et al. 2015 PMID: 25741868, with internal and published modifications).